The following is an entry in ClinVar:

NM_002880.4(RAF1):c.1297C>G (p.Leu433Val)

Gene: RAF1 (Raf-1 proto-oncogene, serine/threonine kinase; minus strand). Cytogenetic location: 3p25.2.
Variant type: single nucleotide variant.
Coding change: c.1297C>G on transcript NM_002880.4 (MANE Select); coding-DNA position 1297, C replaced by G.
Protein change: p.Leu433Val; replaces leucine 433 with valine.
Molecular consequence: missense variant. On other transcripts: non-coding transcript variant (3).
Genome position (GRCh38, 1-based): chr3:12,590,871, G>C on the plus strand (C>G on the coding strand, the complement: RAF1 is on the minus strand). VCF-style: chr3-12590871-G-C. GRCh37 (hg19) VCF-style: chr3-12632370-G-C.
Other names: c.1357C>G, p.Leu453Val (NM_001354689.3); c.1297C>G, p.Leu433Val (NM_001354690.3); c.1054C>G, p.Leu352Val (NM_001354691.3, NM_001354692.3); c.1198C>G, p.Leu400Val (NM_001354693.3); c.1114C>G, p.Leu372Val (NM_001354694.3); c.955C>G, p.Leu319Val (NM_001354695.3); short protein forms L433V, L453V, L372V, L352V, L319V, L400V.
Identifiers: ClinVar variation 561972 (VCV000561972.6), dbSNP rs368676608, ClinGen allele CA2259543.

ClinVar aggregate classification (germline): Uncertain significance. Review status: criteria provided, multiple submitters, no conflicts (2 of 4 stars). 3 submissions from 3 submitters: Uncertain significance (3). Last evaluated 2025-09-05.

Conditions:
RASopathy. Also called: Noonan spectrum disorder; rasopathies. Identifiers: Orphanet 536391, MedGen C5555857, MONDO:0021060.
Cardiovascular phenotype. Identifiers: MedGen CN230736.

Allele frequency attached by ClinVar (database versions not stated): gnomAD 0.00001; gnomAD exomes 0.00001; ExAC 0.00002; ESP Exome Variant Server 0.00008.
gnomAD v4.1: 18 of 1,613,614 alleles (0.0011%); highest among the groups gnomAD compares: Middle Eastern, 0.016%; no homozygotes.

Submissions (3):

Labcorp Genetics (formerly Invitae), Labcorp
Classification: Uncertain significance for RASopathy. Last evaluated: 2025-09-05. Review status: criteria provided, single submitter. Criteria: Invitae Variant Classification Sherloc (09022015). Collection method: clinical testing. Allele origin: germline.
Comment: This sequence change replaces leucine, which is neutral and non-polar, with valine, which is neutral and non-polar, at codon 433 of the RAF1 protein (p.Leu433Val). This variant is present in population databases (rs368676608, gnomAD 0.003%). This variant has not been reported in the literature in individuals affected with RAF1-related conditions. ClinVar contains an entry for this variant (Variation ID: 561972). Invitae Evidence Modeling of protein sequence and biophysical properties (such as structural, functional, and spatial information, amino acid conservation, physicochemical variation, residue mobility, and thermodynamic stability) indicates that this missense variant is expected to disrupt RAF1 protein function with a positive predictive value of 95%. In summary, the available evidence is currently insufficient to determine the role of this variant in disease. Therefore, it has been classified as a Variant of Uncertain Significance.

Ambry Genetics
Classification: Uncertain significance for Cardiovascular phenotype. Last evaluated: 2023-10-27. Review status: criteria provided, single submitter. Criteria: Ambry Variant Classification Scheme 2023. Collection method: clinical testing. Allele origin: germline.
Comment: The p.L433V variant (also known as c.1297C>G), located in coding exon 11 of the RAF1 gene, results from a C to G substitution at nucleotide position 1297. The leucine at codon 433 is replaced by valine, an amino acid with highly similar properties. This amino acid position is conserved. In addition, the in silico prediction for this alteration is inconclusive. Since supporting evidence is limited at this time, the clinical significance of this alteration remains unclear.

GeneDx
Classification: Uncertain significance. Last evaluated: 2018-08-15. Review status: criteria provided, single submitter. Criteria: GeneDx Variant Classification (06012015). Collection method: clinical testing. Allele origin: germline. Affected: yes.
Comment: A variant of uncertain significance has been identified in the RAF1 gene. The L433V variant has not been published as pathogenic or been reported as benign to our knowledge. This variant is observed at a global allele frequency of 3/246128 (0.001%) alleles in large population cohorts (Lek et al., 2016). The L433V variant is a conservative amino acid substitution, which is not likely to impact secondary protein structure as these residues share similar properties. However, in-silico analyses, including protein predictors and evolutionary conservation, support a deleterious effect.